The following is an entry in ClinVar:

ClinVar aggregate classification (germline): Uncertain significance (1 of 4 stars; one submission).

Conditions:
Charcot-Marie-Tooth disease axonal type 2C (HMSN2C). Also called: Charcot-Marie-Tooth Disease Type 2, TRPV4-Related (CMT2C); CHARCOT-MARIE-TOOTH DISEASE, AXONAL, AUTOSOMAL DOMINANT, TYPE 2C; Charcot-Marie-Tooth Neuropathy Type 2C. Identifiers: Orphanet 99937, MedGen C1853710, MONDO:0011633, OMIM 606071.

Allele frequency attached by ClinVar (database versions not stated): gnomAD exomes below 0.00001.

Submission:

Labcorp Genetics (formerly Invitae), Labcorp
Classification: Uncertain significance for Charcot-Marie-Tooth disease axonal type 2C. Last evaluated: 2023-11-15. Review status: criteria provided, single submitter. Criteria: Invitae Variant Classification Sherloc (09022015). Collection method: clinical testing. Allele origin: germline.
Comment: This sequence change creates a premature translational stop signal (p.Lys147*) in the TRPV4 gene. It is expected to result in an absent or disrupted protein product. However, the current clinical and genetic evidence is not sufficient to establish whether loss-of-function variants in TRPV4 cause disease. This variant is not present in population databases (gnomAD no frequency). This variant has not been reported in the literature in individuals affected with TRPV4-related conditions. ClinVar contains an entry for this variant (Variation ID: 1444791). Experimental studies and prediction algorithms are not available or were not evaluated, and the functional significance of this variant is currently unknown. In summary, the available evidence is currently insufficient to determine the role of this variant in disease. Therefore, it has been classified as a Variant of Uncertain Significance.

NM_021625.5(TRPV4):c.439A>T (p.Lys147Ter)

Gene: TRPV4 (transient receptor potential cation channel subfamily V member 4; minus strand). Cytogenetic location: 12q24.11.
Variant type: single nucleotide variant.
Coding change: c.439A>T on transcript NM_021625.5 (MANE Select); coding-DNA position 439, A replaced by T.
Protein change: p.Lys147Ter; replaces lysine 147 with a stop codon.
Molecular consequence: nonsense.
Genome position (GRCh38, 1-based): chr12:109,808,416, T>A on the plus strand (A>T on the coding strand, the complement: TRPV4 is on the minus strand). VCF-style: chr12-109808416-T-A. GRCh37 (hg19) VCF-style: chr12-110246221-T-A.
Other names: c.439A>T, p.Lys147Ter (NM_001177428.2, NM_001177433.2, NM_147204.3); c.337A>T, p.Lys113Ter (NM_001177431.2); short protein forms K113*, K147*.
Identifiers: ClinVar variation 1444791 (VCV001444791.6), dbSNP rs1032750471, ClinGen allele CA243474580.
Genomic context (GRCh38, chr12:109,808,416, plus strand): 5'-CCAGGTCAGCAGTGGAGCCCCGGGACACGATGTCAAAGAGGATAGGCCGGTTGAAGACTT[T>A]GAGGATGGGGGGCGGCTGAGGGGCAGGGGCTTTGGGGCTCTGCGGCTGCTTCCTGGAGGA-3'